The following is an entry in ClinVar:

NM_031935.3(HMCN1):c.14336G>A (p.Arg4779Gln)

Gene: HMCN1 (hemicentin 1; plus strand). Cytogenetic location: 1q31.1.
Variant type: single nucleotide variant.
Coding change: c.14336G>A on transcript NM_031935.3 (MANE Select); coding-DNA position 14336, G replaced by A.
Protein change: p.Arg4779Gln; replaces arginine 4779 with glutamine.
Molecular consequence: missense variant.
Genome position (GRCh38, 1-based): chr1:186,145,472, G>A. VCF-style: chr1-186145472-G-A. GRCh37 (hg19) VCF-style: chr1-186114604-G-A.
Other names: short protein forms R4779Q.
Identifiers: ClinVar variation 723216 (VCV000723216.23), dbSNP rs144926247, ClinGen allele CA1294926.

ClinVar aggregate classification (germline): Benign/Likely benign. Review status: criteria provided, multiple submitters, no conflicts (2 of 4 stars). 3 submissions from 3 submitters: Benign (2); Likely benign (1). Last evaluated 2026-01-18.

Conditions:
HMCN1-related disorder. Also called: HMCN1-related condition.

Allele frequency attached by ClinVar (database versions not stated): gnomAD exomes 0.00013 and 0.00039; ExAC 0.00037; 1000 Genomes Project 30x 0.00047; 1000 Genomes Project 0.00060; ESP Exome Variant Server 0.00085; gnomAD 0.00119 and 0.00128; TOPMed 0.00142.
gnomAD v4.1: 380 of 1,611,958 alleles (0.024%); highest among the groups gnomAD compares: African/African-American, 0.37%; 1 homozygote.

Submissions (3):

Labcorp Genetics (formerly Invitae), Labcorp
Classification: Likely benign. Last evaluated: 2026-01-18. Review status: criteria provided, single submitter. Criteria: Invitae Variant Classification Sherloc (09022015). Collection method: clinical testing. Allele origin: germline.

PreventionGenetics, part of Exact Sciences
Classification: Benign for HMCN1-related condition. Last evaluated: 2025-06-07. Review status: criteria provided, single submitter. Criteria: ACMG Guidelines, 2015. Collection method: clinical testing. Allele origin: germline.
Comment: This variant is classified as benign based on ACMG/AMP sequence variant interpretation guidelines (Richards et al. 2015 PMID: 25741868, with internal and published modifications).

CeGaT Center for Human Genetics Tuebingen
Classification: Benign. Last evaluated: 2025-01-01. Review status: criteria provided, single submitter. Criteria: CeGaT Center For Human Genetics Tuebingen Variant Classification Criteria Version 2. Collection method: clinical testing. Allele origin: germline. Affected: yes. Observed: 1 variant allele.
Comment: HMCN1: BP4, BS1, BS2